The following is an entry in ClinVar:

ClinVar aggregate classification (germline): Uncertain significance. Review status: criteria provided, multiple submitters, no conflicts (2 of 4 stars). 3 submissions from 3 submitters: Uncertain significance (3). Last evaluated 2025-09-17.

Conditions:
Paramyotonia congenita of Von Eulenburg. Also called: PARALYSIS PERIODICA PARAMYOTONICA; Paramyotonia Congenita; Eulenburg disease; Myotonia congenita intermittens; Von Eulenburg paramyotonia congenita. Identifiers: Orphanet 684, MedGen C0221055, MONDO:0008195, OMIM 168300. Disease mechanism: loss of function.
Congenital myasthenic syndrome 16. Identifiers: Orphanet 590, MedGen C3280112, MONDO:0013620, OMIM 614198.
Hypokalemic periodic paralysis, type 1. Also called: Hypokalemic Periodic Paralysis Type 1 (AD); HypoPP. Identifiers: Orphanet 681, MedGen C3714580, MONDO:0042979, OMIM 170400.
Potassium-aggravated myotonia. Also called: MYOTONIA CONGENITA, ACETAZOLAMIDE-RESPONSIVE; MYOTONIA CONGENITA, ATYPICAL; SODIUM CHANNEL MUSCLE DISEASE; Myotonia congenita, atypical, acetazolamide-responsive. Identifiers: Orphanet 612, Orphanet 99734, Orphanet 99735, Orphanet 99736, MedGen C2931826, MONDO:0018959, OMIM 608390.
Hypokalemic periodic paralysis, type 2 (HOKPP2). Identifiers: Orphanet 681, MedGen C2750061, MONDO:0013234, OMIM 613345.
Hyperkalemic periodic paralysis. Also called: Familial hyperkalemic periodic paralysis; Gamstorp disease. Identifiers: Orphanet 682, MedGen C0238357, MONDO:0008224, OMIM 170500, HP:0007215.

Allele frequency attached by ClinVar (database versions not stated): gnomAD exomes 0.00001; gnomAD 0.00004; TOPMed 0.00005.
gnomAD v4.1: 21 of 1,613,906 alleles (0.0013%); highest among the groups gnomAD compares: African/African-American, 0.017%; no homozygotes.

Submissions (3):

Labcorp Genetics (formerly Invitae), Labcorp
Classification: Uncertain significance for Hyperkalemic periodic paralysis. Last evaluated: 2025-09-17. Review status: criteria provided, single submitter. Criteria: Invitae Variant Classification Sherloc (09022015). Collection method: clinical testing. Allele origin: germline.
Comment: This sequence change replaces proline, which is neutral and non-polar, with serine, which is neutral and polar, at codon 1550 of the SCN4A protein (p.Pro1550Ser). This variant is present in population databases (no rsID available, gnomAD 0.01%). This variant has not been reported in the literature in individuals affected with SCN4A-related conditions. ClinVar contains an entry for this variant (Variation ID: 1346336). Invitae Evidence Modeling of protein sequence and biophysical properties (such as structural, functional, and spatial information, amino acid conservation, physicochemical variation, residue mobility, and thermodynamic stability) has been performed for this missense variant. However, the output from this modeling did not meet the statistical confidence thresholds required to predict the impact of this variant on SCN4A protein function. In summary, the available evidence is currently insufficient to determine the role of this variant in disease. Therefore, it has been classified as a Variant of Uncertain Significance.

Fulgent Genetics
Classification: Uncertain significance for Paramyotonia congenita of Von Eulenburg; Hypokalemic periodic paralysis, type 1; Hyperkalemic periodic paralysis; Potassium-aggravated myotonia; Hypokalemic periodic paralysis, type 2; Congenital myasthenic syndrome 16. Last evaluated: 2022-02-01. Review status: criteria provided, single submitter. Criteria: ACMG Guidelines, 2015. Collection method: clinical testing. Allele origin: unknown.

Revvity Omics, Revvity
Classification: Uncertain significance. Last evaluated: 2019-03-27. Review status: criteria provided, single submitter. Criteria: ACMG Guidelines, 2015. Collection method: clinical testing. Allele origin: germline.

NM_000334.4(SCN4A):c.4648C>T (p.Pro1550Ser)

Genes: GH-LCR (growth hormone locus control region; plus strand), SCN4A (sodium voltage-gated channel alpha subunit 4; minus strand). Cytogenetic location: 17q23.3.
Variant type: single nucleotide variant.
Coding change: c.4648C>T on transcript NM_000334.4 (MANE Select); coding-DNA position 4648, C replaced by T.
Protein change: p.Pro1550Ser; replaces proline 1550 with serine.
Molecular consequence: missense variant.
Genome position (GRCh38, 1-based): chr17:63,941,634, G>A on the plus strand (C>T on the coding strand, the complement: SCN4A is on the minus strand). VCF-style: chr17-63941634-G-A. GRCh37 (hg19) VCF-style: chr17-62018994-G-A.
Other names: short protein forms P1550S.
Identifiers: ClinVar variation 1346336 (VCV001346336.10), dbSNP rs957397485, ClinGen allele CA292956940.
Genomic context (GRCh38, chr17:63,941,634, plus strand): 5'-TGCCGCAGTCACCCTTGACACTGGTGCCCGGGTTCTCCAGGTTGGGGTCACAGTCTGGGG[G>A]CCCGCTGTTGAGGATGGGGTTGAGGAGCCCGTCCCAGCCGGCCGACGTGGTGATCTCGAA-3'
Protein context (NP_000325.4, residues 1540-1560): GLLNPILNSG[Pro1550Ser]PDCDPNLENP